The following is an entry in ClinVar:

NM_013266.4:c.1532_1884del

Gene: CTNNA3 (catenin alpha 3; minus strand).
Variant type: Deletion.
Other names: c.1532_1884del (NM_013266.4).
Identifiers: ClinVar variation 978102 (VCV000978102.2).

ClinVar aggregate classification (germline): Uncertain significance (1 of 4 stars; one submission).

Conditions:
Arrhythmogenic right ventricular dysplasia 13. Also called: ARRHYTHMOGENIC RIGHT VENTRICULAR CARDIOMYOPATHY 13; Arrhythmogenic right ventricular dysplasia, familial, 13. Identifiers: MedGen C3810138, MONDO:0000908, OMIM 615616.

Submission:

New York Genome Center
Classification: Uncertain significance for Arrhythmogenic right ventricular dysplasia 13. Last evaluated: 2020-01-21. Review status: criteria provided, single submitter. Criteria: NYGC Assertion Criteria 2020. Collection method: clinical testing. Allele origin: germline. Observed: 1 heterozygote. Study: CSER-NYCKidSeq.
Comment: This variant is predicted to lead to the loss of exon 12 and 13, resulting in a frameshift of the protein and premature termination approximately 10 amino acids downstream of the deletion. While this exact deletion is absent from gnomAD SVs v2.1, one similar deletion removing exon 12-13 are present with low frequency (DEL_10_111262, 6 heterozygotes, 0 homozygotes; allele frequency: 2.766e-4), suggesting this is not a common benign variant in the populations represented in this database. This variant is absent from ClinVar and to our current knowledge has not been reported in affected individuals in the literature. While this variant is predicted to lead to a deletion of two exons, frameshift, and premature termination of the CTNNA3 protein, the molecular mechanism of CTNNA3 pathology has not been clearly established, and it is currently unclear if gain-of-function or loss-of-function is the mechanism of disease. Given this, the Chr10:67992759_68161028del variant is reported here as a Variant of Uncertain Significance